The following is an entry in ClinVar:

NM_005378.6(MYCN):c.853C>T (p.Arg285Trp)

Gene: MYCN (MYCN proto-oncogene, bHLH transcription factor; plus strand). Cytogenetic location: 2p24.3.
Variant type: single nucleotide variant.
Coding change: c.853C>T on transcript NM_005378.6 (MANE Select); coding-DNA position 853, C replaced by T.
Protein change: p.Arg285Trp; replaces arginine 285 with tryptophan.
Molecular consequence: missense variant. On other transcripts: 3 prime UTR variant (1).
Genome position (GRCh38, 1-based): chr2:15,945,555, C>T. VCF-style: chr2-15945555-C-T. GRCh37 (hg19) VCF-style: chr2-16085677-C-T.
Other names: c.853C>T, p.Arg285Trp (NM_001293228.2); c.220C>T, p.Arg74Trp (NM_001293231.2); c.*788C>T (NM_001293233.2); short protein forms R74W, R285W.
Identifiers: ClinVar variation 3584522 (VCV003584522.3).

ClinVar aggregate classification (germline): Uncertain significance. Review status: criteria provided, multiple submitters, no conflicts (2 of 4 stars). 2 submissions from 2 submitters: Uncertain significance (2). Last evaluated 2025-06-12.

Conditions:
Feingold syndrome type 1 (FGLDS1). Also called: MICROCEPHALY, MENTAL RETARDATION, AND TRACHEOESOPHAGEAL FISTULA SYNDROME; MICROCEPHALY-OCULO-DIGITO-ESOPHAGEAL-DUODENAL SYNDROME; OCULODIGITOESOPHAGODUODENAL SYNDROME; ODED SYNDROME; MICROCEPHALY AND DIGITAL ABNORMALITIES WITH NORMAL INTELLIGENCE. Identifiers: Orphanet 1305, Orphanet 391641, MedGen C4551774, MONDO:0008115, OMIM 164280.
Megalencephaly-polydactyly syndrome (MPAPA). Identifiers: MedGen C5935591, MONDO:0958279, OMIM 620748.

gnomAD v4.1: 116 of 1,613,780 alleles (0.0072%); highest among the groups gnomAD compares: Non-Finnish European, 0.0093%; no homozygotes.

Submissions (2):

Labcorp Genetics (formerly Invitae), Labcorp
Classification: Uncertain significance. Last evaluated: 2025-06-12. Review status: criteria provided, single submitter. Criteria: Invitae Variant Classification Sherloc (09022015). Collection method: clinical testing. Allele origin: germline.
Comment: This sequence change replaces arginine, which is basic and polar, with tryptophan, which is neutral and slightly polar, at codon 285 of the MYCN protein (p.Arg285Trp). This variant is present in population databases (rs779959007, gnomAD 0.01%). This variant has not been reported in the literature in individuals affected with MYCN-related conditions. ClinVar contains an entry for this variant (Variation ID: 3584522). Invitae Evidence Modeling of protein sequence and biophysical properties (such as structural, functional, and spatial information, amino acid conservation, physicochemical variation, residue mobility, and thermodynamic stability) indicates that this missense variant is not expected to disrupt MYCN protein function with a negative predictive value of 95%. In summary, the available evidence is currently insufficient to determine the role of this variant in disease. Therefore, it has been classified as a Variant of Uncertain Significance.

Fulgent Genetics
Classification: Uncertain significance for Feingold syndrome type 1; Megalencephaly-polydactyly syndrome. Last evaluated: 2024-03-27. Review status: criteria provided, single submitter. Criteria: ACMG Guidelines, 2015. Collection method: clinical testing. Allele origin: germline.